The following is an entry in ClinVar:

ClinVar aggregate classification (germline): Benign/Likely benign. Review status: criteria provided, multiple submitters, no conflicts (2 of 4 stars). 3 submissions from 3 submitters: Benign (1); Likely benign (2). Last evaluated 2025-04-09.

Conditions:
Hereditary cancer-predisposing syndrome. Also called: Tumor predisposition; Neoplastic Syndromes, Hereditary; Hereditary Cancer Syndrome; Hereditary neoplastic syndrome. Identifiers: Orphanet 140162, MedGen C0027672, MeSH D009386, MONDO:0015356.
Colorectal cancer, susceptibility to, 12 (CRCS12). Also called: COLORECTAL CANCER, SUSCEPTIBILITY TO, ON CHROMOSOME 12q24. Identifiers: Orphanet 220460, MedGen C3554460, MONDO:0014038, OMIM 615083.

Allele frequency attached by ClinVar (database versions not stated): TOPMed below 0.00001; gnomAD 0.00001.
gnomAD v4.1: 2 of 1,614,024 alleles (0.00012%); highest among the groups gnomAD compares: African/African-American, 0.0027%; no homozygotes.

Submissions (3):

Labcorp Genetics (formerly Invitae), Labcorp
Classification: Likely benign. Last evaluated: 2025-04-09. Review status: criteria provided, single submitter. Criteria: Invitae Variant Classification Sherloc (09022015). Collection method: clinical testing. Allele origin: germline.

Myriad Genetics, Inc.
Classification: Benign for Colorectal cancer, susceptibility to, 12. Last evaluated: 2025-02-10. Review status: criteria provided, single submitter. Criteria: Myriad Autosomal Dominant, Autosomal Recessive and X-Linked Classification Criteria (2023). Collection method: clinical testing. Allele origin: unknown.
Comment: This variant is considered benign. This variant is a silent/synonymous amino acid change and it is not expected to impact splicing.

Ambry Genetics
Classification: Likely benign for Hereditary cancer-predisposing syndrome. Last evaluated: 2018-12-20. Review status: criteria provided, single submitter. Criteria: Ambry Variant Classification Scheme 2023. Collection method: clinical testing. Allele origin: germline.

NM_006231.4(POLE):c.1134C>G (p.Val378=)

Gene: POLE (DNA polymerase epsilon, catalytic subunit; minus strand). Cytogenetic location: 12q24.33.
Variant type: single nucleotide variant.
Coding change: c.1134C>G on transcript NM_006231.4 (MANE Select); coding-DNA position 1134, C replaced by G.
Protein change: p.Val378=; no amino-acid change (valine 378 retained).
Molecular consequence: synonymous variant.
Genome position (GRCh38, 1-based): chr12:132,675,490, G>C on the plus strand (C>G on the coding strand, the complement: POLE is on the minus strand). VCF-style: chr12-132675490-G-C. GRCh37 (hg19) VCF-style: chr12-133252076-G-C.
Identifiers: ClinVar variation 240377 (VCV000240377.16), dbSNP rs878854839, ClinGen allele CA10583021.
Genomic context (GRCh38, chr12:132,675,490, plus strand): 5'-CTTGTACTCCCCCTGGCTGTCCTTCTGGAAGCCTATCTCCTGCTGCATGCTCAGACCGTG[G>C]ACTGCTGCCCGGGCCTCCACAAATGGCCTGGGTTGGAAAGAGGACAGACAAGCAAGTGGG-3'
Protein context (NP_006222.2, residues 368-388): DWPFVEARAA[Val378=]HGLSMQQEIG